The following is an entry in ClinVar:

NM_053025.4(MYLK):c.1222C>T (p.Gln408Ter)

Gene: MYLK (myosin light chain kinase; minus strand). Cytogenetic location: 3q21.1.
Variant type: single nucleotide variant.
Coding change: c.1222C>T on transcript NM_053025.4 (MANE Select); coding-DNA position 1222, C replaced by T.
Protein change: p.Gln408Ter; replaces glutamine 408 with a stop codon.
Molecular consequence: nonsense.
Genome position (GRCh38, 1-based): chr3:123,733,774, G>A on the plus strand (C>T on the coding strand, the complement: MYLK is on the minus strand). VCF-style: chr3-123733774-G-A. GRCh37 (hg19) VCF-style: chr3-123452621-G-A.
Other names: c.694C>T, p.Gln232Ter (NM_001321309.2); c.1222C>T, p.Gln408Ter (NM_053026.4, NM_053027.4, NM_053028.4); short protein forms Q408*, Q232*.
Identifiers: ClinVar variation 5007969 (VCV005007969.1).

ClinVar aggregate classification (germline): Uncertain significance (1 of 4 stars; one submission).

Submission:

GeneDx
Classification: Uncertain significance. Last evaluated: 2026-03-12. Review status: criteria provided, single submitter. Criteria: GeneDx Variant Classification Process June 2021. Collection method: clinical testing. Allele origin: germline.
Comment: Not observed at significant frequency in large population cohorts (gnomAD); Nonsense variant predicted to result in protein truncation or nonsense mediated decay. Not located in the smooth muscle isoform, where the majority of loss-of-function variants associated with autosomal dominant TAAD and autosomal recessive MMIHS have been reported to date (PMID: 24077912, 21055718); Has not been previously published as pathogenic or benign to our knowledge; This variant is associated with the following publications: (PMID: 24077912, 21055718)